The following is an entry in ClinVar:

NM_020693.4(DSCAML1):c.1009G>T (p.Ala337Ser)

Gene: DSCAML1 (DS cell adhesion molecule like 1; minus strand). Cytogenetic location: 11q23.3.
Variant type: single nucleotide variant.
Coding change: c.1009G>T on transcript NM_020693.4 (MANE Select); coding-DNA position 1009, G replaced by T.
Protein change: p.Ala337Ser; replaces alanine 337 with serine.
Molecular consequence: missense variant.
Genome position (GRCh38, 1-based): chr11:117,521,334, C>A on the plus strand (G>T on the coding strand, the complement: DSCAML1 is on the minus strand). VCF-style: chr11-117521334-C-A. GRCh37 (hg19) VCF-style: chr11-117392049-C-A.
Other names: c.1009G>T, p.Ala337Ser (NM_001367904.1); c.601G>T, p.Ala201Ser (NM_001367905.1); short protein forms A337S, A201S.
Identifiers: ClinVar variation 1979137 (VCV001979137.4), dbSNP rs779602155, ClinGen allele CA6297389.

ClinVar aggregate classification (germline): Uncertain significance (1 of 4 stars; one submission).

Allele frequency attached by ClinVar (database versions not stated): TOPMed 0.00003; gnomAD 0.00007.
gnomAD v4.1: 38 of 1,614,050 alleles (0.0024%); highest among the groups gnomAD compares: Admixed American, 0.027%; no homozygotes.

Submission:

Labcorp Genetics (formerly Invitae), Labcorp
Classification: Uncertain significance. Last evaluated: 2025-06-17. Review status: criteria provided, single submitter. Criteria: Invitae Variant Classification Sherloc (09022015). Collection method: clinical testing. Allele origin: germline.
Comment: This sequence change replaces alanine, which is neutral and non-polar, with serine, which is neutral and polar, at codon 397 of the DSCAML1 protein (p.Ala397Ser). This variant is present in population databases (rs779602155, gnomAD 0.02%). This variant has not been reported in the literature in individuals affected with DSCAML1-related conditions. ClinVar contains an entry for this variant (Variation ID: 1979137). An algorithm developed to predict the effect of missense changes on protein structure and function (PolyPhen-2) suggests that this variant is likely to be tolerated. In summary, the available evidence is currently insufficient to determine the role of this variant in disease. Therefore, it has been classified as a Variant of Uncertain Significance.